The following is an entry in ClinVar:

NM_001282933.2(ZNF341):c.1964+1G>A

Genes: ZNF341 (zinc finger protein 341; plus strand), ZNF341-AS1 (ZNF341 antisense RNA 1; minus strand). Cytogenetic location: 20q11.22.
Variant type: single nucleotide variant.
Coding change: c.1964+1G>A on transcript NM_001282933.2 (MANE Select); the canonical splice donor site of the intron after coding-DNA position 1964, G replaced by A.
Molecular consequence: splice donor variant.
Genome position (GRCh38, 1-based): chr20:33,788,975, G>A. VCF-style: chr20-33788975-G-A. GRCh37 (hg19) VCF-style: chr20-32376781-G-A.
Other names: c.1943+1G>A (NM_032819.5); c.1694+1G>A (NM_001282935.2).
Identifiers: ClinVar variation 2993479 (VCV002993479.4), dbSNP rs910498188, ClinGen allele CA313310801.
Genomic context (GRCh38, chr20:33,788,975, plus strand): 5'-CAAACTGAAGAGACACATGTTGATCCACGAGCCCTTCAAGAAATACAAATGCCCTTTCTC[G>A]TGAGTAGAGACTGCCATGCAGGGGGGTGGGTAGCGGGACAGATTCTCCAGGGGTGCTGCT-3'

ClinVar aggregate classification (germline): Likely pathogenic. Review status: criteria provided, multiple submitters, no conflicts (2 of 4 stars). 2 submissions from 2 submitters: Likely pathogenic (2). Last evaluated 2025-05-07.

Conditions:
ZNF341-related disorder. Also called: ZNF341-related condition.

Allele frequency attached by ClinVar (database versions not stated): gnomAD exomes 0.00001.

Submissions (2):

Labcorp Genetics (formerly Invitae), Labcorp
Classification: Likely pathogenic. Last evaluated: 2025-05-07. Review status: criteria provided, single submitter. Criteria: Invitae Variant Classification Sherloc (09022015). Collection method: clinical testing. Allele origin: germline.
Comment: This sequence change affects a donor splice site in intron 13 of the ZNF341 gene. It is expected to disrupt RNA splicing. Variants that disrupt the donor or acceptor splice site typically lead to a loss of protein function (PMID: 16199547), and loss-of-function variants in ZNF341 are known to be pathogenic (PMID: 29907690, 29907691). This variant is present in population databases (no rsID available, gnomAD 0.01%). This variant has not been reported in the literature in individuals affected with ZNF341-related conditions. ClinVar contains an entry for this variant (Variation ID: 2993479). Algorithms developed to predict the effect of sequence changes on RNA splicing suggest that this variant may disrupt the consensus splice site. In summary, the currently available evidence indicates that the variant is pathogenic, but additional data are needed to prove that conclusively. Therefore, this variant has been classified as Likely Pathogenic.

Blueprint Genetics
Classification: Likely pathogenic for ZNF341-related disorders. Last evaluated: 2024-09-04. Review status: criteria provided, single submitter. Criteria: ACMG Guidelines, 2015. Collection method: clinical testing. Allele origin: germline. Affected: yes. Observed: 1 variant allele.

Literature cited by the submitters: PubMed 16199547 (cited by Labcorp Genetics (formerly Invitae), Labcorp); PubMed 29907690 (cited by Labcorp Genetics (formerly Invitae), Labcorp); PubMed 29907691 (cited by Labcorp Genetics (formerly Invitae), Labcorp).